The following is an entry in ClinVar:

NM_004370.6(COL12A1):c.2436A>C (p.Glu812Asp)

Gene: COL12A1 (collagen type XII alpha 1 chain; minus strand). Cytogenetic location: 6q13.
Variant type: single nucleotide variant.
Coding change: c.2436A>C on transcript NM_004370.6 (MANE Select); coding-DNA position 2436, A replaced by C.
Protein change: p.Glu812Asp; replaces glutamic acid 812 with aspartic acid.
Molecular consequence: missense variant. On other transcripts: intron variant (1).
Genome position (GRCh38, 1-based): chr6:75,177,664, T>G on the plus strand (A>C on the coding strand, the complement: COL12A1 is on the minus strand). VCF-style: chr6-75177664-T-G. GRCh37 (hg19) VCF-style: chr6-75887380-T-G.
Other names: c.73+25056A>C (NM_080645.3); short protein forms E812D.
Identifiers: ClinVar variation 948547 (VCV000948547.11), dbSNP rs1769033719, ClinGen allele CA364763427.
Genomic context (GRCh38, chr6:75,177,664, plus strand): 5'-ATTTTCCCCTCTAGTCTAAGAGTTTGGTTGTCACCATATGATAAGCATATTTCCTCTACC[T>G]TCTTCAGTGGCTGCATTTCCAGTTAATGGAGTACCAGGTCCTGAGAAATATTCAGGAATT-3'
Protein context (NP_004361.3, residues 802-822): TPLTGNAATE[Glu812Asp]VRGNPRDLRV

ClinVar aggregate classification (germline): Uncertain significance (1 of 4 stars; one submission).

Conditions:
Ullrich congenital muscular dystrophy 2 (UCMD2). Identifiers: Orphanet 75840, MedGen C4225314, MONDO:0014654, OMIM 616470.
Bethlem myopathy 2 (BTHLM2). Identifiers: Orphanet 536516, Orphanet 610, MedGen C4225313, MONDO:0034022, OMIM 616471.

Submissions (2):

Labcorp Genetics (formerly Invitae), Labcorp
Classification: Uncertain significance for Bethlem myopathy 2; Ullrich congenital muscular dystrophy 2. Last evaluated: 2019-06-17. Review status: criteria provided, single submitter. Criteria: Invitae Variant Classification Sherloc (09022015). Collection method: clinical testing. Allele origin: germline.
Comment: This variant has not been reported in the literature in individuals with COL12A1-related conditions. This variant is not present in population databases (ExAC no frequency). This sequence change replaces glutamic acid with aspartic acid at codon 812 of the COL12A1 protein (p.Glu812Asp). The glutamic acid residue is highly conserved and there is a small physicochemical difference between glutamic acid and aspartic acid. Algorithms developed to predict the effect of missense changes on protein structure and function are either unavailable or do not agree on the potential impact of this missense change (SIFT: "Deleterious"; PolyPhen-2: "Benign"; Align-GVGD: "Class C0"). In summary, the available evidence is currently insufficient to determine the role of this variant in disease. Therefore, it has been classified as a Variant of Uncertain Significance. Algorithms developed to predict the effect of sequence changes on RNA splicing suggest that this variant may disrupt the consensus splice site, but this prediction has not been confirmed by published transcriptional studies.

Dr. Peter K. Rogan Lab, Western University
No classification provided (evidence only). Condition: Uterine corpus endometrial carcinoma. Review status: no classification provided. Collection method: in vitro. Allele origin: not applicable. Functional consequence: retained intron. Not counted in ClinVar's aggregate classification.